The following is an entry in ClinVar:

ClinVar aggregate classification (germline): Uncertain significance (1 of 4 stars; one submission).

Submission:

Labcorp Genetics (formerly Invitae), Labcorp
Classification: Uncertain significance. Last evaluated: 2024-03-17. Review status: criteria provided, single submitter. Criteria: Invitae Variant Classification Sherloc (09022015). Collection method: clinical testing. Allele origin: germline.
Comment: This sequence change replaces serine, which is neutral and polar, with asparagine, which is neutral and polar, at codon 829 of the NEXMIF protein (p.Ser829Asn). This variant is not present in population databases (gnomAD no frequency). This variant has not been reported in the literature in individuals affected with NEXMIF-related conditions. Algorithms developed to predict the effect of missense changes on protein structure and function output the following: SIFT: "Not Available"; PolyPhen-2: "Benign"; Align-GVGD: "Not Available". The asparagine amino acid residue is found in multiple mammalian species, which suggests that this missense change does not adversely affect protein function. In summary, the available evidence is currently insufficient to determine the role of this variant in disease. Therefore, it has been classified as a Variant of Uncertain Significance.

NM_001008537.3(NEXMIF):c.2486G>A (p.Ser829Asn)

Gene: NEXMIF (neurite extension and migration factor; minus strand). Cytogenetic location: Xq13.3.
Variant type: single nucleotide variant.
Coding change: c.2486G>A on transcript NM_001008537.3 (MANE Select); coding-DNA position 2486, G replaced by A.
Protein change: p.Ser829Asn; replaces serine 829 with asparagine.
Molecular consequence: missense variant.
Genome position (GRCh38, 1-based): chrX:74,742,071, C>T on the plus strand (G>A on the coding strand, the complement: NEXMIF is on the minus strand). VCF-style: chrX-74742071-C-T. GRCh37 (hg19) VCF-style: chrX-73961906-C-T.
Other names: short protein forms S829N.
Identifiers: ClinVar variation 3646442 (VCV003646442.2).